The following is an entry in ClinVar:

NM_000431.4(MVK):c.724A>G (p.Asn242Asp)

Gene: MVK (mevalonate kinase; plus strand). Cytogenetic location: 12q24.11.
Variant type: single nucleotide variant.
Coding change: c.724A>G on transcript NM_000431.4 (MANE Select); coding-DNA position 724, A replaced by G.
Protein change: p.Asn242Asp; replaces asparagine 242 with aspartic acid.
Molecular consequence: missense variant.
Genome position (GRCh38, 1-based): chr12:109,590,817, A>G. VCF-style: chr12-109590817-A-G. GRCh37 (hg19) VCF-style: chr12-110028622-A-G.
Other names: c.724A>G, p.Asn242Asp (NM_001114185.3); c.568A>G, p.Asn190Asp (NM_001301182.2); short protein forms N242D, N190D.
Identifiers: ClinVar variation 852674 (VCV000852674.9), dbSNP rs1885636019, ClinGen allele CA386649056.
Genomic context (GRCh38, chr12:109,590,817, plus strand): 5'-TCTTCACCCTGCAGGTCGCCAGCTCTCCAGATCCTGCTGACCAACACCAAAGTCCCTCGC[A>G]ATACCAGGGCCCTTGTGGCTGGCGTCAGAAACAGGCTGCTCAAGGTGACTCTTGTTCCCT-3'
Protein context (NP_000422.1, residues 232-252): ILLTNTKVPR[Asn242Asp]TRALVAGVRN

ClinVar aggregate classification (germline): Uncertain significance (1 of 4 stars; one submission).

Conditions:
Mevalonic aciduria (MEVA). Identifiers: Orphanet 29, MedGen C1959626, MONDO:0012481, OMIM 610377.
Porokeratosis 3, disseminated superficial actinic type (POROK3). Also called: POROKERATOSIS, DISSEMINATED SUPERFICIAL ACTINIC, 1; POROKERATOSIS 3, MULTIPLE TYPES; POROKERATOSIS 3, MIBELLI TYPE. Identifiers: MedGen C1867981, MONDO:0008293, OMIM 175900.
Hyperimmunoglobulin D with periodic fever (HIDS). Also called: HYPERIMMUNOGLOBULINEMIA D AND PERIODIC FEVER SYNDROME; Hyperimmunoglobulinemia D with periodic fever; Hyperimmunoglobulinemia D. Identifiers: Orphanet 343, MedGen C0398691, MONDO:0009849, OMIM 260920.

Allele frequency attached by ClinVar (database versions not stated): gnomAD exomes below 0.00001.
gnomAD v4.1: 2 of 1,614,164 alleles (0.00012%); highest among the groups gnomAD compares: Non-Finnish European, 0.00017%; no homozygotes.

Submission:

Labcorp Genetics (formerly Invitae), Labcorp
Classification: Uncertain significance for Mevalonic aciduria; Hyperimmunoglobulin D with periodic fever; Porokeratosis 3, disseminated superficial actinic type. Last evaluated: 2019-04-18. Review status: criteria provided, single submitter. Criteria: Invitae Variant Classification Sherloc (09022015). Collection method: clinical testing. Allele origin: germline.
Comment: Algorithms developed to predict the effect of missense changes on protein structure and function (SIFT, PolyPhen-2, Align-GVGD) all suggest that this variant is likely to be tolerated, but these predictions have not been confirmed by published functional studies and their clinical significance is uncertain. In summary, the available evidence is currently insufficient to determine the role of this variant in disease. Therefore, it has been classified as a Variant of Uncertain Significance. This variant has not been reported in the literature in individuals with MVK-related conditions. This sequence change replaces asparagine with aspartic acid at codon 242 of the MVK protein (p.Asn242Asp). The asparagine residue is weakly conserved and there is a small physicochemical difference between asparagine and aspartic acid. This variant is not present in population databases (ExAC no frequency).